The following is an entry in ClinVar:

NM_016122.3(CEP83):c.569A>G (p.Asp190Gly)

Gene: CEP83 (centrosomal protein 83; minus strand). Cytogenetic location: 12q22.
Variant type: single nucleotide variant.
Coding change: c.569A>G on transcript NM_016122.3 (MANE Select); coding-DNA position 569, A replaced by G.
Protein change: p.Asp190Gly; replaces aspartic acid 190 with glycine.
Molecular consequence: missense variant. On other transcripts: non-coding transcript variant (3).
Genome position (GRCh38, 1-based): chr12:94,379,023, T>C on the plus strand (A>G on the coding strand, the complement: CEP83 is on the minus strand). VCF-style: chr12-94379023-T-C. GRCh37 (hg19) VCF-style: chr12-94772799-T-C.
Other names: c.569A>G, p.Asp190Gly (NM_001042399.2, NM_001346457.2, NM_001346460.2 and 3 more transcripts); c.257A>G, p.Asp86Gly (NM_001346458.2, NM_001346459.2, NM_001346462.2 and 2 more transcripts); c.344A>G, p.Asp115Gly (NM_001368041.1); c.32A>G, p.Asp11Gly (NM_001368042.1); short protein forms D190G, D115G, D11G, D86G.
Identifiers: ClinVar variation 1395964 (VCV001395964.8), dbSNP rs2061696691, ClinGen allele CA386147088.

ClinVar aggregate classification (germline): Uncertain significance (1 of 4 stars; one submission).

Conditions:
Nephronophthisis 18 (NPHP18). Identifiers: Orphanet 655, MedGen C3890591, MONDO:0014374, OMIM 615862.

Allele frequency attached by ClinVar (database versions not stated): gnomAD 0.00001; TOPMed 0.00001.
gnomAD v4.1: 3 of 1,609,182 alleles (0.00019%); highest among the groups gnomAD compares: African/African-American, 0.0013%; no homozygotes.

Submission:

Labcorp Genetics (formerly Invitae), Labcorp
Classification: Uncertain significance for Nephronophthisis 18. Last evaluated: 2022-07-19. Review status: criteria provided, single submitter. Criteria: Invitae Variant Classification Sherloc (09022015). Collection method: clinical testing. Allele origin: germline.
Comment: In summary, the available evidence is currently insufficient to determine the role of this variant in disease. Therefore, it has been classified as a Variant of Uncertain Significance. Algorithms developed to predict the effect of sequence changes on RNA splicing suggest that this variant may create or strengthen a splice site. Algorithms developed to predict the effect of missense changes on protein structure and function are either unavailable or do not agree on the potential impact of this missense change (SIFT: "Not Available"; PolyPhen-2: "Probably Damaging"; Align-GVGD: "Not Available"). ClinVar contains an entry for this variant (Variation ID: 1395964). This variant has not been reported in the literature in individuals affected with CEP83-related conditions. This variant is not present in population databases (gnomAD no frequency). This sequence change replaces aspartic acid, which is acidic and polar, with glycine, which is neutral and non-polar, at codon 190 of the CEP83 protein (p.Asp190Gly).